The following is an entry in ClinVar:

NM_002016.2(FLG):c.9792C>T (p.His3264=)

Genes: CCDST (cervical cancer associated DHX9 suppressive transcript; plus strand), FLG (filaggrin; minus strand). Cytogenetic location: 1q21.3.
Variant type: single nucleotide variant.
Coding change: c.9792C>T on transcript NM_002016.2 (MANE Select); coding-DNA position 9792, C replaced by T.
Protein change: p.His3264=; no amino-acid change (histidine 3264 retained).
Molecular consequence: synonymous variant.
Genome position (GRCh38, 1-based): chr1:152,305,094, G>A on the plus strand (C>T on the coding strand, the complement: FLG is on the minus strand). VCF-style: chr1-152305094-G-A. GRCh37 (hg19) VCF-style: chr1-152277570-G-A.
Identifiers: ClinVar variation 4872442 (VCV004872442.2).

ClinVar aggregate classification (germline): Likely benign (1 of 4 stars; one submission).

Submission:

CeGaT Center for Human Genetics Tuebingen
Classification: Likely benign. Last evaluated: 2026-05-01. Review status: criteria provided, single submitter. Criteria: CeGaT Center For Human Genetics Tuebingen Variant Classification Criteria Version 2. Collection method: clinical testing. Allele origin: germline. Affected: yes. Observed: 1 variant allele.
Comment: FLG: BP4, BP7